The following is an entry in ClinVar:

ClinVar aggregate classification (germline): Uncertain significance. Review status: criteria provided, multiple submitters, no conflicts (2 of 4 stars). 3 submissions from 3 submitters: Uncertain significance (3). Last evaluated 2025-11-19.

Conditions:
Inborn genetic diseases. Identifiers: MedGen C0950123, MeSH D030342.

Allele frequency attached by ClinVar (database versions not stated): ExAC 0.00002; gnomAD 0.00003; gnomAD exomes 0.00003; TOPMed 0.00003.
gnomAD v4.1: 42 of 1,613,596 alleles (0.0026%); highest among the groups gnomAD compares: Admixed American, 0.025%; no homozygotes.

Submissions (3):

Ambry Genetics
Classification: Uncertain significance for Inborn genetic diseases. Last evaluated: 2025-11-19. Review status: criteria provided, single submitter. Criteria: Ambry Variant Classification Scheme 2023. Collection method: clinical testing. Allele origin: germline.

CeGaT Center for Human Genetics Tuebingen
Classification: Uncertain significance. Last evaluated: 2025-04-01. Review status: criteria provided, single submitter. Criteria: CeGaT Center For Human Genetics Tuebingen Variant Classification Criteria Version 2. Collection method: clinical testing. Allele origin: germline. Affected: yes. Observed: 1 variant allele.
Comment: SMARCD2: PM2

Labcorp Genetics (formerly Invitae), Labcorp
Classification: Uncertain significance. Last evaluated: 2022-06-22. Review status: criteria provided, single submitter. Criteria: Invitae Variant Classification Sherloc (09022015). Collection method: clinical testing. Allele origin: germline.
Comment: This sequence change replaces arginine, which is basic and polar, with glutamine, which is neutral and polar, at codon 148 of the SMARCD2 protein (p.Arg148Gln). This variant is present in population databases (rs764382206, gnomAD 0.03%). This variant has not been reported in the literature in individuals affected with SMARCD2-related conditions. Algorithms developed to predict the effect of missense changes on protein structure and function are either unavailable or do not agree on the potential impact of this missense change (SIFT: "Deleterious"; PolyPhen-2: "Probably Damaging"; Align-GVGD: "Class C0"). Algorithms developed to predict the effect of sequence changes on RNA splicing suggest that this variant may disrupt the consensus splice site. In summary, the available evidence is currently insufficient to determine the role of this variant in disease. Therefore, it has been classified as a Variant of Uncertain Significance.

NM_001098426.2(SMARCD2):c.443G>A (p.Arg148Gln)

Gene: SMARCD2 (SWI/SNF related BAF chromatin remodeling complex subunit D2; minus strand). Cytogenetic location: 17q23.3.
Variant type: single nucleotide variant.
Coding change: c.443G>A on transcript NM_001098426.2 (MANE Select); coding-DNA position 443, G replaced by A.
Protein change: p.Arg148Gln; replaces arginine 148 with glutamine.
Molecular consequence: missense variant.
Genome position (GRCh38, 1-based): chr17:63,837,196, C>T on the plus strand (G>A on the coding strand, the complement: SMARCD2 is on the minus strand). VCF-style: chr17-63837196-C-T. GRCh37 (hg19) VCF-style: chr17-61914556-C-T.
Other names: c.443G>A (NM_001098426.1); c.218G>A, p.Arg73Gln (NM_001330439.1); c.299G>A, p.Arg100Gln (NM_001330440.2); short protein forms R100Q, R73Q, R148Q.
Identifiers: ClinVar variation 2199914 (VCV002199914.9), dbSNP rs764382206, ClinGen allele CA8706494.